The following is an entry in ClinVar:

ClinVar aggregate classification (germline): Uncertain significance (1 of 4 stars; one submission).

Conditions:
Familial adenomatous polyposis 1 (FAP1). Also called: FAMILIAL ADENOMATOUS POLYPOSIS 1, ATTENUATED; POLYPOSIS, ADENOMATOUS INTESTINAL. Identifiers: MedGen C2713442, MONDO:0021056, OMIM 175100. Disease mechanism: loss of function.

Submission:

Labcorp Genetics (formerly Invitae), Labcorp
Classification: Uncertain significance for Familial adenomatous polyposis 1. Last evaluated: 2024-08-15. Review status: criteria provided, single submitter. Criteria: Invitae Variant Classification Sherloc (09022015). Collection method: clinical testing. Allele origin: germline.
Comment: This variant occurs in a non-coding region of the APC gene. It does not change the encoded amino acid sequence of the APC protein. This variant is not present in population databases (gnomAD no frequency). This variant has not been reported in the literature in individuals affected with APC-related conditions. Experimental studies and prediction algorithms are not available or were not evaluated, and the functional significance of this variant is currently unknown. In summary, the available evidence is currently insufficient to determine the role of this variant in disease. Therefore, it has been classified as a Variant of Uncertain Significance.

NC_000005.10:g.112707426A>C

Gene: APC (APC regulator of Wnt signaling pathway; plus strand). Cytogenetic location: 5q22.2.
Variant type: single nucleotide variant.
Genome position: GRCh38 VCF-style: chr5-112707426-A-C. GRCh37 (hg19) VCF-style: chr5-112043123-A-C.
Identifiers: ClinVar variation 1905331 (VCV001905331.4), dbSNP rs2531732662, ClinGen allele CA2580072241.